The following is an entry in ClinVar:

NM_024642.5(GALNT12):c.1166A>G (p.Asp389Gly)

Gene: GALNT12 (polypeptide N-acetylgalactosaminyltransferase 12; plus strand). Cytogenetic location: 9q22.33.
Variant type: single nucleotide variant.
Coding change: c.1166A>G on transcript NM_024642.5 (MANE Select); coding-DNA position 1166, A replaced by G.
Protein change: p.Asp389Gly; replaces aspartic acid 389 with glycine.
Molecular consequence: missense variant.
Genome position (GRCh38, 1-based): chr9:98,837,102, A>G. VCF-style: chr9-98837102-A-G. GRCh37 (hg19) VCF-style: chr9-101599384-A-G.
Other names: short protein forms D389G.
Identifiers: ClinVar variation 3227904 (VCV003227904.1), dbSNP rs751002199, ClinGen allele CA5154178.

ClinVar aggregate classification (germline): Uncertain significance (1 of 4 stars; one submission).

Allele frequency attached by ClinVar (database versions not stated): gnomAD exomes below 0.00001; ExAC 0.00001.
gnomAD v4.1: 4 of 1,614,142 alleles (0.00025%); highest among the groups gnomAD compares: South Asian, 0.0044%; no homozygotes.

Submission:

Ambry Genetics
Classification: Uncertain significance. Last evaluated: 2024-02-26. Review status: criteria provided, single submitter. Criteria: Ambry Variant Classification Scheme 2023. Collection method: clinical testing. Allele origin: germline.
Comment: The p.D389G variant (also known as c.1166A>G), located in coding exon 6 of the GALNT12 gene, results from an A to G substitution at nucleotide position 1166. The aspartic acid at codon 389 is replaced by glycine, an amino acid with similar properties. This amino acid position is highly conserved in available vertebrate species. In addition, this alteration is predicted to be deleterious by in silico analysis. The evidence for this gene-disease relationship is limited; therefore, the clinical significance of this alteration is unclear.